The following is an entry in ClinVar:

NM_001144967.3(NEDD4L):c.1523C>T (p.Ala508Val)

Gene: NEDD4L (NEDD4 like E3 ubiquitin protein ligase; plus strand). Cytogenetic location: 18q21.31.
Variant type: single nucleotide variant.
Coding change: c.1523C>T on transcript NM_001144967.3 (MANE Select); coding-DNA position 1523, C replaced by T.
Protein change: p.Ala508Val; replaces alanine 508 with valine.
Molecular consequence: missense variant.
Genome position (GRCh38, 1-based): chr18:58,343,051, C>T. VCF-style: chr18-58343051-C-T. GRCh37 (hg19) VCF-style: chr18-56010283-C-T.
Other names: c.1160C>T, p.Ala387Val (NM_001144964.1, NM_001144965.2, NM_001144966.3); c.1499C>T, p.Ala500Val (NM_001144968.2); c.1439C>T, p.Ala480Val (NM_001144969.2); c.1100C>T, p.Ala367Val (NM_001144970.3, NM_001144971.2); c.1331C>T, p.Ala444Val (NM_001243960.2); c.1463C>T, p.Ala488Val (NM_015277.6); short protein forms A387V, A480V, A500V, A508V, A367V, A488V, A444V.
Identifiers: ClinVar variation 658053 (VCV000658053.13), dbSNP rs573738976, ClinGen allele CA8975706.
Genomic context (GRCh38, chr18:58,343,051, plus strand): 5'-CCAAACCACAACACAAAGTCACACAGAGCTTCTTGCCACCCGGCTGGGAAATGAGGATAG[C>T]GCCAAACGGCCGGCCCTTCTTCATTGATCATAACACAAAGACTACAACCTGGGTAAGGCT-3'
Protein context (NP_001138439.1, residues 498-518): FLPPGWEMRI[Ala508Val]PNGRPFFIDH

ClinVar aggregate classification (germline): Uncertain significance. Review status: criteria provided, multiple submitters, no conflicts (2 of 4 stars). 4 submissions from 4 submitters: Uncertain significance (4). Last evaluated 2025-09-21.

Conditions:
NEDD4L-related disorder. Also called: NEDD4L-related condition.
Periventricular nodular heterotopia 7 (PVNH7). Identifiers: MedGen C4310669, MONDO:0014966, OMIM 617201.

Allele frequency attached by ClinVar (database versions not stated): gnomAD exomes below 0.00001; ExAC 0.00001; gnomAD 0.00001; TOPMed 0.00001; 1000 Genomes Project 30x 0.00016; 1000 Genomes Project 0.00020.
gnomAD v4.1: 4 of 1,612,826 alleles (0.00025%); highest among the groups gnomAD compares: East Asian, 0.0022%; no homozygotes.

Submissions (4):

PreventionGenetics, part of Exact Sciences
Classification: Uncertain significance for NEDD4L-related condition. Last evaluated: 2025-09-21. Review status: criteria provided, single submitter. Criteria: ACMG Guidelines, 2015. Collection method: clinical testing. Allele origin: germline.
Comment: The NEDD4L c.1463C>T variant is predicted to result in the amino acid substitution p.Ala488Val. To our knowledge, this variant has not been reported in the literature. This variant is reported in 0.0065% of alleles in individuals of African descent in gnomAD. At this time, the clinical significance of this variant is uncertain due to the absence of conclusive functional and genetic evidence.

Women's Health and Genetics/Laboratory Corporation of America, LabCorp
Classification: Uncertain significance. Last evaluated: 2025-04-22. Review status: criteria provided, single submitter. Criteria: LabCorp Variant Classification Summary - May 2015. Collection method: clinical testing. Allele origin: germline.
Comment: Variant summary: NEDD4L c.1523C>T (p.Ala508Val) results in a non-conservative amino acid change in the encoded protein sequence. Three of five in-silico tools predict a damaging effect of the variant on protein function. The variant allele was found at a frequency of 4e-06 in 247748 control chromosomes (gnomAD). The available data on variant occurrences in the general population are insufficient to allow any conclusion about variant significance. To our knowledge, no occurrence of c.1523C>T in individuals affected with Periventricular Nodular Heterotopia 7 and no experimental evidence demonstrating its impact on protein function have been reported. ClinVar contains an entry for this variant (Variation ID: 658053). Based on the evidence outlined above, the variant was classified as uncertain significance.

Labcorp Genetics (formerly Invitae), Labcorp
Classification: Uncertain significance. Last evaluated: 2024-03-23. Review status: criteria provided, single submitter. Criteria: Invitae Variant Classification Sherloc (09022015). Collection method: clinical testing. Allele origin: germline.
Comment: This sequence change replaces alanine, which is neutral and non-polar, with valine, which is neutral and non-polar, at codon 488 of the NEDD4L protein (p.Ala488Val). This variant is present in population databases (rs573738976, gnomAD 0.007%). This variant has not been reported in the literature in individuals affected with NEDD4L-related conditions. ClinVar contains an entry for this variant (Variation ID: 658053). Advanced modeling of protein sequence and biophysical properties (such as structural, functional, and spatial information, amino acid conservation, physicochemical variation, residue mobility, and thermodynamic stability) has been performed at Invitae for this missense variant, however the output from this modeling did not meet the statistical confidence thresholds required to predict the impact of this variant on NEDD4L protein function. In summary, the available evidence is currently insufficient to determine the role of this variant in disease. Therefore, it has been classified as a Variant of Uncertain Significance.

Fulgent Genetics
Classification: Uncertain significance for Periventricular nodular heterotopia 7. Last evaluated: 2022-05-20. Review status: criteria provided, single submitter. Criteria: ACMG Guidelines, 2015. Collection method: clinical testing. Allele origin: unknown.